The following is an entry in ClinVar:

NM_004370.6(COL12A1):c.622A>C (p.Lys208Gln)

Gene: COL12A1 (collagen type XII alpha 1 chain; minus strand). Cytogenetic location: 6q13.
Variant type: single nucleotide variant.
Coding change: c.622A>C on transcript NM_004370.6 (MANE Select); coding-DNA position 622, A replaced by C.
Protein change: p.Lys208Gln; replaces lysine 208 with glutamine.
Molecular consequence: missense variant. On other transcripts: intron variant (1).
Genome position (GRCh38, 1-based): chr6:75,189,588, T>G on the plus strand (A>C on the coding strand, the complement: COL12A1 is on the minus strand). VCF-style: chr6-75189588-T-G. GRCh37 (hg19) VCF-style: chr6-75899304-T-G.
Other names: c.73+13132A>C (NM_080645.3); short protein forms K208Q.
Identifiers: ClinVar variation 1514421 (VCV001514421.6), dbSNP rs1769819268, ClinGen allele CA364728617.

ClinVar aggregate classification (germline): Uncertain significance (1 of 4 stars; one submission).

Conditions:
Ullrich congenital muscular dystrophy 2 (UCMD2). Identifiers: Orphanet 75840, MedGen C4225314, MONDO:0014654, OMIM 616470.
Bethlem myopathy 2 (BTHLM2). Identifiers: Orphanet 536516, Orphanet 610, MedGen C4225313, MONDO:0034022, OMIM 616471.

Allele frequency attached by ClinVar (database versions not stated): gnomAD exomes below 0.00001; gnomAD 0.00001.
gnomAD v4.1: 4 of 1,613,046 alleles (0.00025%); highest among the groups gnomAD compares: Admixed American, 0.005%; no homozygotes.

Submission:

Labcorp Genetics (formerly Invitae), Labcorp
Classification: Uncertain significance for Bethlem myopathy 2; Ullrich congenital muscular dystrophy 2. Last evaluated: 2024-05-16. Review status: criteria provided, single submitter. Criteria: Invitae Variant Classification Sherloc (09022015). Collection method: clinical testing. Allele origin: germline.
Comment: This sequence change replaces lysine, which is basic and polar, with glutamine, which is neutral and polar, at codon 208 of the COL12A1 protein (p.Lys208Gln). This variant is not present in population databases (gnomAD no frequency). This variant has not been reported in the literature in individuals affected with COL12A1-related conditions. ClinVar contains an entry for this variant (Variation ID: 1514421). Advanced modeling of protein sequence and biophysical properties (such as structural, functional, and spatial information, amino acid conservation, physicochemical variation, residue mobility, and thermodynamic stability) performed at Invitae indicates that this missense variant is not expected to disrupt COL12A1 protein function with a negative predictive value of 80%. In summary, the available evidence is currently insufficient to determine the role of this variant in disease. Therefore, it has been classified as a Variant of Uncertain Significance.